The following is an entry in ClinVar:

NM_020821.3(VPS13C):c.1009C>G (p.Gln337Glu)

Gene: VPS13C (vacuolar protein sorting 13 homolog C; minus strand). Cytogenetic location: 15q22.2.
Variant type: single nucleotide variant.
Coding change: c.1009C>G on transcript NM_020821.3 (MANE Select); coding-DNA position 1009, C replaced by G.
Protein change: p.Gln337Glu; replaces glutamine 337 with glutamic acid.
Molecular consequence: missense variant.
Genome position (GRCh38, 1-based): chr15:62,010,474, G>C on the plus strand (C>G on the coding strand, the complement: VPS13C is on the minus strand). VCF-style: chr15-62010474-G-C. GRCh37 (hg19) VCF-style: chr15-62302673-G-C.
Other names: c.1009C>G, p.Gln337Glu (NM_001018088.3); c.880C>G, p.Gln294Glu (NM_017684.5, NM_018080.4); short protein forms Q294E, Q337E.
Identifiers: ClinVar variation 2691512 (VCV002691512.4), dbSNP rs760175192, ClinGen allele CA7597271.
Genomic context (GRCh38, chr15:62,010,474, plus strand): 5'-ATAAAAGCAGTCAAGATTCAAGGCTAATCAAAGCTGGAAATATCCACATGAATCATACCT[G>C]AGGTTTGGTCAGTTCAATGGCAATATTTTGTATTTCTATGTTGCAATCCAGTTTGGGCGT-3'
Protein context (NP_065872.1, residues 327-347): QNIAIELTKP[Gln337Glu]YLSMIDLLES

ClinVar aggregate classification (germline): Uncertain significance. Review status: criteria provided, multiple submitters, no conflicts (2 of 4 stars). 2 submissions from 2 submitters: Uncertain significance (2). Last evaluated 2023-12-07.

Allele frequency attached by ClinVar (database versions not stated): ExAC 0.00002.

Submissions (2):

Women's Health and Genetics/Laboratory Corporation of America, LabCorp
Classification: Uncertain significance. Last evaluated: 2023-12-07. Review status: criteria provided, single submitter. Criteria: LabCorp Variant Classification Summary - May 2015. Collection method: clinical testing. Allele origin: germline.
Comment: Variant summary: VPS13C c.1009C>G (p.Gln337Glu) results in a conservative amino acid change in the encoded protein sequence. Four of five in-silico tools predict a benign effect of the variant on protein function. The variant allele was found at a frequency of 1.2e-05 in 243178 control chromosomes (gnomAD). The available data on variant occurrences in the general population are insufficient to allow any conclusion about variant significance. To our knowledge, no occurrence of c.1009C>G in individuals affected with Parkinson Disease 23, Autosomal Recessive Early-Onset and no experimental evidence demonstrating its impact on protein function have been reported. No submitters have cited clinical-significance assessments for this variant to ClinVar after 2014. Based on the evidence outlined above, the variant was classified as uncertain significance.

Labcorp Genetics (formerly Invitae), Labcorp
Classification: Uncertain significance. Last evaluated: 2023-11-19. Review status: criteria provided, single submitter. Criteria: Invitae Variant Classification Sherloc (09022015). Collection method: clinical testing. Allele origin: germline.
Comment: This sequence change replaces glutamine, which is neutral and polar, with glutamic acid, which is acidic and polar, at codon 337 of the VPS13C protein (p.Gln337Glu). This variant is present in population databases (rs760175192, gnomAD 0.003%). This variant has not been reported in the literature in individuals affected with VPS13C-related conditions. An algorithm developed to predict the effect of missense changes on protein structure and function (PolyPhen-2) suggests that this variant is likely to be disruptive. In summary, the available evidence is currently insufficient to determine the role of this variant in disease. Therefore, it has been classified as a Variant of Uncertain Significance.